The following is an entry in ClinVar:

NM_001466.4(FZD2):c.1437C>T (p.Cys479=)

Gene: FZD2 (frizzled class receptor 2; plus strand). Cytogenetic location: 17q21.31.
Variant type: single nucleotide variant.
Coding change: c.1437C>T on transcript NM_001466.4 (MANE Select); coding-DNA position 1437, C replaced by T.
Protein change: p.Cys479=; no amino-acid change (cysteine 479 retained).
Molecular consequence: synonymous variant.
Genome position (GRCh38, 1-based): chr17:44,559,125, C>T. VCF-style: chr17-44559125-C-T. GRCh37 (hg19) VCF-style: chr17-42636493-C-T.
Identifiers: ClinVar variation 4797462 (VCV004797462.1).

ClinVar aggregate classification (germline): Uncertain significance (1 of 4 stars; one submission).

Submission:

Labcorp Genetics (formerly Invitae), Labcorp
Classification: Uncertain significance. Last evaluated: 2025-03-05. Review status: criteria provided, single submitter. Criteria: Invitae Variant Classification Sherloc (09022015). Collection method: clinical testing. Allele origin: germline.
Comment: This sequence change affects codon 479 of the FZD2 mRNA. It is a 'silent' change, meaning that it does not change the encoded amino acid sequence of the FZD2 protein. This variant is not present in population databases (gnomAD no frequency). This variant has not been reported in the literature in individuals affected with FZD2-related conditions. In summary, the available evidence is currently insufficient to determine the role of this variant in disease. Therefore, it has been classified as a Variant of Uncertain Significance.